The following is an entry in ClinVar:

ClinVar aggregate classification (germline): Uncertain significance. Review status: criteria provided, multiple submitters, no conflicts (2 of 4 stars). 2 submissions from 2 submitters: Uncertain significance (2). Last evaluated 2021-12-29.

Conditions:
Wolcott-Rallison dysplasia. Also called: MED-IDDM SYNDROME; Wolcott-Rallison syndrome. Identifiers: Orphanet 1667, MedGen C0432217, MONDO:0009192, OMIM 226980.

Allele frequency attached by ClinVar (database versions not stated): TOPMed 0.00001; 1000 Genomes Project 30x 0.00016.
gnomAD v4.1: 78 of 1,613,170 alleles (0.0048%); highest among the groups gnomAD compares: East Asian, 0.17%; 1 homozygote.

Submissions (2):

Labcorp Genetics (formerly Invitae), Labcorp
Classification: Uncertain significance. Last evaluated: 2021-12-29. Review status: criteria provided, single submitter. Criteria: Invitae Variant Classification Sherloc (09022015). Collection method: clinical testing. Allele origin: germline.
Comment: This sequence change replaces arginine, which is basic and polar, with serine, which is neutral and polar, at codon 698 of the EIF2AK3 protein (p.Arg698Ser). This variant is present in population databases (rs189064501, gnomAD 0.02%). This variant has not been reported in the literature in individuals affected with EIF2AK3-related conditions. ClinVar contains an entry for this variant (Variation ID: 337407). Algorithms developed to predict the effect of missense changes on protein structure and function are either unavailable or do not agree on the potential impact of this missense change (SIFT: "Deleterious"; PolyPhen-2: "Benign"; Align-GVGD: "Class C0"). In summary, the available evidence is currently insufficient to determine the role of this variant in disease. Therefore, it has been classified as a Variant of Uncertain Significance.

Illumina Laboratory Services, Illumina
Classification: Uncertain significance for Wolcott-Rallison dysplasia. Last evaluated: 2018-01-13. Review status: criteria provided, single submitter. Criteria: ICSL Variant Classification Criteria 13 December 2019. Collection method: clinical testing. Allele origin: germline.

NM_004836.7(EIF2AK3):c.2092C>A (p.Arg698Ser)

Genes: EIF2AK3 (eukaryotic translation initiation factor 2 alpha kinase 3; minus strand), EIF2AK3-AS1 (EIF2AK3 antisense RNA 1; plus strand). Cytogenetic location: 2p11.2.
Variant type: single nucleotide variant.
Coding change: c.2092C>A on transcript NM_004836.7 (MANE Select); coding-DNA position 2092, C replaced by A.
Protein change: p.Arg698Ser; replaces arginine 698 with serine.
Molecular consequence: missense variant. On other transcripts: non-coding transcript variant (1).
Genome position (GRCh38, 1-based): chr2:88,575,391, G>T on the plus strand (C>A on the coding strand, the complement: EIF2AK3 is on the minus strand). VCF-style: chr2-88575391-G-T. GRCh37 (hg19) VCF-style: chr2-88874909-G-T.
Other names: c.1639C>A, p.Arg547Ser (NM_001313915.2); short protein forms R698S, R547S.
Identifiers: ClinVar variation 337407 (VCV000337407.6), dbSNP rs189064501, ClinGen allele CA1754511.